The following is an entry in ClinVar:

ClinVar aggregate classification (germline): Uncertain significance. Review status: criteria provided, multiple submitters, no conflicts (2 of 4 stars). 2 submissions from 2 submitters: Uncertain significance (2). Last evaluated 2024-05-29.

Conditions:
Peroxisome biogenesis disorder, complementation group 7 (CG7). Also called: Peroxisome biogenesis disorder, complementation group B. Identifiers: MedGen C1864399.

Allele frequency attached by ClinVar (database versions not stated): 1000 Genomes Project 30x 0.00016; 1000 Genomes Project 0.00020.
gnomAD v4.1: 21 of 1,609,348 alleles (0.0013%); highest among the groups gnomAD compares: South Asian, 0.0033%; no homozygotes.

Submissions (2):

Labcorp Genetics (formerly Invitae), Labcorp
Classification: Uncertain significance for Peroxisome biogenesis disorder, complementation group 7. Last evaluated: 2024-05-29. Review status: criteria provided, single submitter. Criteria: Invitae Variant Classification Sherloc (09022015). Collection method: clinical testing. Allele origin: germline.
Comment: This sequence change replaces arginine, which is basic and polar, with glutamine, which is neutral and polar, at codon 264 of the PEX10 protein (p.Arg264Gln). The frequency data for this variant in the population databases is considered unreliable, as metrics indicate poor data quality at this position in the gnomAD database. This missense change has been observed in individual(s) with PEX10-related conditions (PMID: 34000440). ClinVar contains an entry for this variant (Variation ID: 2199226). Algorithms developed to predict the effect of missense changes on protein structure and function output the following: SIFT: "Not Available"; PolyPhen-2: "Benign"; Align-GVGD: "Not Available". The glutamine amino acid residue is found in multiple mammalian species, which suggests that this missense change does not adversely affect protein function. In summary, the available evidence is currently insufficient to determine the role of this variant in disease. Therefore, it has been classified as a Variant of Uncertain Significance.

Blueprint Genetics
Classification: Uncertain significance. Last evaluated: 2023-10-17. Review status: criteria provided, single submitter. Criteria: ACMG Guidelines, 2015. Collection method: clinical testing. Allele origin: germline.

Literature cited by the submitters: PubMed 34000440 (cited by Labcorp Genetics (formerly Invitae), Labcorp).

NM_002617.4(PEX10):c.731G>A (p.Arg244Gln)

Gene: PEX10 (peroxisomal biogenesis factor 10; minus strand). Cytogenetic location: 1p36.32.
Variant type: single nucleotide variant.
Coding change: c.731G>A on transcript NM_002617.4 (MANE Select); coding-DNA position 731, G replaced by A.
Protein change: p.Arg244Gln; replaces arginine 244 with glutamine.
Molecular consequence: missense variant. On other transcripts: non-coding transcript variant (1).
Genome position (GRCh38, 1-based): chr1:2,406,765, C>T on the plus strand (G>A on the coding strand, the complement: PEX10 is on the minus strand). VCF-style: chr1-2406765-C-T. GRCh37 (hg19) VCF-style: chr1-2338204-C-T.
Other names: c.788G>A, p.Arg263Gln (NM_001374425.1); c.356G>A, p.Arg119Gln (NM_001374426.1); c.299G>A, p.Arg100Gln (NM_001374427.1); c.791G>A, p.Arg264Gln (NM_153818.2); short protein forms R244Q, R119Q, R263Q, R264Q, R100Q.
Identifiers: ClinVar variation 2199226 (VCV002199226.3), dbSNP rs149877113, ClinGen allele CA538055.